The following is an entry in ClinVar:

ClinVar aggregate classification (germline): Uncertain significance (1 of 4 stars; one submission).

Conditions:
Renal tubular acidosis, distal, 3, with or without sensorineural hearing loss (DRTA3). Identifiers: MedGen C5399980, MONDO:0011268, OMIM 602722.

gnomAD v4.1: 8 of 1,614,020 alleles (0.0005%); highest among the groups gnomAD compares: South Asian, 0.0011%; no homozygotes.

Submission:

3billion
Classification: Uncertain significance for Renal tubular acidosis, distal, 3, with or without sensorineural hearing loss. Last evaluated: 2025-10-20. Review status: criteria provided, single submitter. Criteria: ACMG Guidelines, 2015. Collection method: clinical testing. Allele origin: germline. Affected: yes.
Comment: The variant is observed at an extremely low frequency in the gnomAD v4.1.0 dataset (total allele frequency: <0.001%). Predicted Consequence/Location: Synonymous variant In silico tools predict the variant to alter splicing and produce an abnormal transcript [SpliceAI: 0.83 (>=0.2, moderate evidence for spliceogenicity)]. Therefore, this variant is classified as VUS according to the recommendation of ACMG/AMP guideline.

NM_020632.3(ATP6V0A4):c.1386G>A (p.Thr462=)

Gene: ATP6V0A4 (ATPase H+ transporting V0 subunit a4; minus strand). Cytogenetic location: 7q34.
Variant type: single nucleotide variant.
Coding change: c.1386G>A on transcript NM_020632.3 (MANE Select); coding-DNA position 1386, G replaced by A.
Protein change: p.Thr462=; no amino-acid change (threonine 462 retained).
Molecular consequence: synonymous variant.
Genome position (GRCh38, 1-based): chr7:138,745,215, C>T on the plus strand (G>A on the coding strand, the complement: ATP6V0A4 is on the minus strand). VCF-style: chr7-138745215-C-T. GRCh37 (hg19) VCF-style: chr7-138429960-C-T.
Other names: c.1386G>A, p.Thr462= (NM_130840.3, NM_130841.3).
Identifiers: ClinVar variation 4854466 (VCV004854466.1).